The following is an entry in ClinVar:

NM_016169.4(SUFU):c.812C>A (p.Ala271Asp)

Gene: SUFU (SUFU negative regulator of hedgehog signaling; plus strand). Cytogenetic location: 10q24.32.
Variant type: single nucleotide variant.
Coding change: c.812C>A on transcript NM_016169.4 (MANE Select); coding-DNA position 812, C replaced by A.
Protein change: p.Ala271Asp; replaces alanine 271 with aspartic acid.
Molecular consequence: missense variant.
Genome position (GRCh38, 1-based): chr10:102,597,195, C>A. VCF-style: chr10-102597195-C-A. GRCh37 (hg19) VCF-style: chr10-104356952-C-A.
Other names: c.812C>A, p.Ala271Asp (NM_001178133.2); short protein forms A271D.
Identifiers: ClinVar variation 2945663 (VCV002945663.3), dbSNP rs2545094195, ClinGen allele CA377910439.

ClinVar aggregate classification (germline): Uncertain significance (1 of 4 stars; one submission).

Conditions:
Gorlin syndrome. Also called: Nevoid Basal Cell Carcinoma Syndrome; Basal cell nevus syndrome. Identifiers: Orphanet 377, MedGen C0004779, MONDO:0007187.
Medulloblastoma (MDB). Also called: MEDULLOBLASTOMA PREDISPOSITION SYNDROME; Medulloblastoma, somatic. Identifiers: Orphanet 616, MedGen C0025149, MeSH D008527, MONDO:0007959, OMIM 155255, HP:0002885.

Submission:

Labcorp Genetics (formerly Invitae), Labcorp
Classification: Uncertain significance for Gorlin syndrome; Medulloblastoma. Last evaluated: 2023-03-22. Review status: criteria provided, single submitter. Criteria: Invitae Variant Classification Sherloc (09022015). Collection method: clinical testing. Allele origin: germline.
Comment: This sequence change replaces alanine, which is neutral and non-polar, with aspartic acid, which is acidic and polar, at codon 271 of the SUFU protein (p.Ala271Asp). In summary, the available evidence is currently insufficient to determine the role of this variant in disease. Therefore, it has been classified as a Variant of Uncertain Significance. Advanced modeling of protein sequence and biophysical properties (such as structural, functional, and spatial information, amino acid conservation, physicochemical variation, residue mobility, and thermodynamic stability) performed at Invitae indicates that this missense variant is not expected to disrupt SUFU protein function. This variant has not been reported in the literature in individuals affected with SUFU-related conditions. This variant is not present in population databases (gnomAD no frequency).